The following is an entry in ClinVar:

NM_030632.3(ASXL3):c.1928C>T (p.Ala643Val)

Gene: ASXL3 (ASXL transcriptional regulator 3; plus strand). Cytogenetic location: 18q12.1.
Variant type: single nucleotide variant.
Coding change: c.1928C>T on transcript NM_030632.3 (MANE Select); coding-DNA position 1928, C replaced by T.
Protein change: p.Ala643Val; replaces alanine 643 with valine.
Molecular consequence: missense variant.
Genome position (GRCh38, 1-based): chr18:33,739,332, C>T. VCF-style: chr18-33739332-C-T. GRCh37 (hg19) VCF-style: chr18-31319296-C-T.
Other names: short protein forms A643V.
Identifiers: ClinVar variation 2648641 (VCV002648641.24), dbSNP rs1186777989, ClinGen allele CA402176900.

ClinVar aggregate classification (germline): Likely benign (1 of 4 stars; one submission).

gnomAD v4.1: 3 of 1,613,464 alleles (0.00019%); highest among the groups gnomAD compares: Admixed American, 0.0017%; no homozygotes.

Submission:

CeGaT Center for Human Genetics Tuebingen
Classification: Likely benign. Last evaluated: 2023-07-01. Review status: criteria provided, single submitter. Criteria: CeGaT Center For Human Genetics Tuebingen Variant Classification Criteria Version 2. Collection method: clinical testing. Allele origin: germline. Affected: yes. Observed: 1 variant allele.
Comment: ASXL3: BP4